The following is an entry in ClinVar:

ClinVar aggregate classification (germline): Conflicting classifications of pathogenicity. Review status: criteria provided, conflicting classifications (1 of 4 stars). 6 submissions from 6 submitters: Uncertain significance (1); Benign (4); Likely benign (1). Last evaluated 2025-12-20.

Conditions:
Hirschsprung disease, susceptibility to, 2. Identifiers: Orphanet 388, MedGen C1838564, MONDO:0010833, OMIM 600155.

Allele frequency attached by ClinVar (database versions not stated): gnomAD exomes 0.00040 and 0.00125; ExAC 0.00156; 1000 Genomes Project 0.00339; 1000 Genomes Project 30x 0.00375; gnomAD 0.00459 and 0.00500; TOPMed 0.00497; ESP Exome Variant Server 0.00592.
gnomAD v4.1: 1,293 of 1,591,272 alleles (0.081%); highest among the groups gnomAD compares: African/African-American, 1.6%; 8 homozygotes.

Submissions (6):

Labcorp Genetics (formerly Invitae), Labcorp
Classification: Benign. Last evaluated: 2025-12-20. Review status: criteria provided, single submitter. Criteria: Invitae Variant Classification Sherloc (09022015). Collection method: clinical testing. Allele origin: germline.

Blueprint Genetics
Classification: Likely benign. Last evaluated: 2024-11-25. Review status: criteria provided, single submitter. Criteria: ACMG Guidelines, 2015. Collection method: clinical testing. Allele origin: germline.

GeneDx
Classification: Benign. Last evaluated: 2018-09-06. Review status: criteria provided, single submitter. Criteria: GeneDx Variant Classification Process June 2021. Collection method: clinical testing. Allele origin: germline. Affected: yes.
Comment: This variant is associated with the following publications: (PMID: 28236341)

Illumina Laboratory Services, Illumina
Classification: Uncertain significance for Hirschsprung disease, susceptibility to, 2. Last evaluated: 2018-01-12. Review status: criteria provided, single submitter. Criteria: ICSL Variant Classification Criteria 13 December 2019. Collection method: clinical testing. Allele origin: germline.

Laboratory for Molecular Medicine, Mass General Brigham Personalized Medicine
Classification: Benign. Last evaluated: 2014-11-24. Review status: criteria provided, single submitter. Criteria: LMM Criteria. Collection method: clinical testing. Allele origin: germline. Observed: 6 variant alleles.
Comment: Leu107Phe in exon 2 of EDNRB: This variant is not expected to have clinical sign ificance because it has been identified in 1.7% (76/4406) of African American ch romosomes from a broad population by the NHLBI Exome Sequencing Project (dbSNP rs5346).

PreventionGenetics, part of Exact Sciences
Classification: Benign. Review status: criteria provided, single submitter. Criteria: ACMG Guidelines, 2015. Collection method: clinical testing. Allele origin: germline.

NM_001122659.3(EDNRB):c.49C>T (p.Leu17Phe)

Gene: EDNRB (endothelin receptor type B; minus strand). Cytogenetic location: 13q22.3.
Variant type: single nucleotide variant.
Coding change: c.49C>T on transcript NM_001122659.3 (MANE Select); coding-DNA position 49, C replaced by T.
Protein change: p.Leu17Phe; replaces leucine 17 with phenylalanine.
Molecular consequence: missense variant.
Genome position (GRCh38, 1-based): chr13:77,918,525, G>A on the plus strand (C>T on the coding strand, the complement: EDNRB is on the minus strand). VCF-style: chr13-77918525-G-A. GRCh37 (hg19) VCF-style: chr13-78492660-G-A.
Other names: c.49C>T, p.Leu17Phe (NM_000115.5, NM_003991.4); c.319C>T, p.Leu107Phe (NM_001201397.2); short protein forms L107F, L17F.
Identifiers: ClinVar variation 226623 (VCV000226623.21), dbSNP rs5346, ClinGen allele CA7012405.